The following is an entry in ClinVar:

NM_000252.3(MTM1):c.144A>G (p.Glu48=)

Gene: MTM1 (myotubularin 1; plus strand). Cytogenetic location: Xq28.
Variant type: single nucleotide variant.
Coding change: c.144A>G on transcript NM_000252.3 (MANE Select); coding-DNA position 144, A replaced by G.
Protein change: p.Glu48=; no amino-acid change (glutamic acid 48 retained).
Molecular consequence: synonymous variant.
Genome position (GRCh38, 1-based): chrX:150,598,599, A>G. VCF-style: chrX-150598599-A-G. GRCh37 (hg19) VCF-style: chrX-149767063-A-G.
Other names: c.144A>G, p.Glu48= (NM_001376906.1, NM_001376907.1, NM_001376908.1).
Identifiers: ClinVar variation 3652150 (VCV003652150.3).
Genomic context (GRCh38, chrX:150,598,599, plus strand): 5'-TGTATCTTGGTATCTATTTCCATTATTTTAGGGTACTTTTTTTATCTTAATAGACAAAGA[A>G]GTTATTTACATATGTCCTTTCAATGGCCCCATTAAGGGAAGAGTTTACATCACAAATTAT-3'
Protein context (NP_000243.1, residues 38-58): LPGETLITDK[Glu48=]VIYICPFNGP

ClinVar aggregate classification (germline): Uncertain significance (1 of 4 stars; one submission).

Conditions:
Severe X-linked myotubular myopathy (CNMX). Also called: MYOTUBULAR MYOPATHY 1; X-linked centronuclear myopathy; Myotubular myopathy, X-linked. Identifiers: Orphanet 596, MedGen C0410203, MONDO:0010683, OMIM 310400.

Submissions (3):

Labcorp Genetics (formerly Invitae), Labcorp
Classification: Uncertain significance for Severe X-linked myotubular myopathy. Last evaluated: 2024-05-04. Review status: criteria provided, single submitter. Criteria: Invitae Variant Classification Sherloc (09022015). Collection method: clinical testing. Allele origin: germline.
Comment: This sequence change affects codon 48 of the MTM1 mRNA. It is a 'silent' change, meaning that it does not change the encoded amino acid sequence of the MTM1 protein. This variant is not present in population databases (gnomAD no frequency). This variant has not been reported in the literature in individuals affected with MTM1-related conditions. Algorithms developed to predict the effect of sequence changes on RNA splicing suggest that this variant may disrupt the consensus splice site. In summary, the available evidence is currently insufficient to determine the role of this variant in disease. Therefore, it has been classified as a Variant of Uncertain Significance.

Dr. Peter K. Rogan Lab, Western University
No classification provided (evidence only). Condition: Nonpapillary renal cell carcinoma. Review status: no classification provided. Collection method: in vitro. Allele origin: not applicable. Functional consequence: retained intron. Not counted in ClinVar's aggregate classification.

Dr. Peter K. Rogan Lab, Western University
No classification provided (evidence only). Condition: Nonpapillary renal cell carcinoma. Review status: no classification provided. Collection method: in vitro. Allele origin: not applicable. Functional consequence: skipped exon. Not counted in ClinVar's aggregate classification.